The following is an entry in ClinVar:

NC_000002.11:g.(?_27534757)_(27545394_?)del

Gene: MPV17 (mitochondrial inner membrane protein MPV17; minus strand). Cytogenetic location: 2p23.3.
Variant type: Deletion.
Identifiers: ClinVar variation 832772 (VCV000832772.3).

ClinVar aggregate classification (germline): Pathogenic (1 of 4 stars; one submission).

Submission:

Labcorp Genetics (formerly Invitae), Labcorp
Classification: Pathogenic. Last evaluated: 2019-11-22. Review status: criteria provided, single submitter. Criteria: Invitae Variant Classification Sherloc (09022015). Collection method: clinical testing. Allele origin: germline.
Comment: For these reasons, this variant has been classified as Pathogenic. Loss-of-function variants in MPV17 are known to be pathogenic (PMID: 23714749). This variant has not been reported in the literature in individuals with MPV17-related conditions. This variant is a gross deletion of the genomic region encompassing exons 2-7 of the MPV17 gene, which includes the initiator codon. The 5' end of this event is unknown as it extends beyond the assayed region for this gene and therefore may encompass additional genes. The 3' boundary is likely confined to intron 7 of the MPV17 gene. This is expected to result in an absent or disrupted protein product.

Literature cited by the submitters: PubMed 23714749.